The following is an entry in ClinVar:

ClinVar aggregate classification (germline): Conflicting classifications of pathogenicity. Review status: criteria provided, conflicting classifications (1 of 4 stars). 5 submissions from 5 submitters: Uncertain significance (2); Likely benign (1). 2 of the submissions do not count toward it. Last evaluated 2025-06-30.

Conditions:
Cardiovascular phenotype. Identifiers: MedGen CN230736.
Long QT syndrome (LQTS). Identifiers: MedGen C0023976, MeSH D008133, MONDO:0002442. Disease mechanism: loss of function. Inheritance: Various modes of inheritance.
Long QT syndrome 11 (LQT11). Identifiers: Orphanet 101016, Orphanet 768, MedGen C2678483, MONDO:0012738, OMIM 611820.

Allele frequency attached by ClinVar (database versions not stated): gnomAD exomes 0.00005; TOPMed 0.00005; gnomAD 0.00006; ExAC 0.00008; ESP Exome Variant Server 0.00015.
gnomAD v4.1: 88 of 1,613,098 alleles (0.0055%); highest among the groups gnomAD compares: Non-Finnish European, 0.0073%; no homozygotes.

Submissions (5):

Labcorp Genetics (formerly Invitae), Labcorp
Classification: Uncertain significance for Long QT syndrome. Last evaluated: 2025-06-30. Review status: criteria provided, single submitter. Criteria: Invitae Variant Classification Sherloc (09022015). Collection method: clinical testing. Allele origin: germline.
Comment: This sequence change replaces lysine, which is basic and polar, with glutamic acid, which is acidic and polar, at codon 1894 of the AKAP9 protein (p.Lys1894Glu). This variant is present in population databases (rs137971303, gnomAD 0.01%). This variant has not been reported in the literature in individuals affected with AKAP9-related conditions. ClinVar contains an entry for this variant (Variation ID: 1284437). An algorithm developed to predict the effect of missense changes on protein structure and function (PolyPhen-2) suggests that this variant is likely to be disruptive. In summary, the available evidence is currently insufficient to determine the role of this variant in disease. Therefore, it has been classified as a Variant of Uncertain Significance.

Ambry Genetics
Classification: Likely benign for Cardiovascular phenotype. Last evaluated: 2023-05-08. Review status: criteria provided, single submitter. Criteria: Ambry Variant Classification Scheme 2023. Collection method: clinical testing. Allele origin: germline.

Center for Genomics, Ann and Robert H. Lurie Children's Hospital of Chicago
Classification: Uncertain significance for Long QT syndrome 11. Last evaluated: 2021-03-30. Review status: criteria provided, single submitter. Criteria: ACMG Guidelines, 2015. Collection method: clinical testing. Allele origin: germline.
Comment: AKAP9 NM_005751.4 exon 23 p.Lys1894Glu (c.5680A>G): This variant has not been reported in the literature and is present in 0.01% (12/113346) of European alleles in the Genome Aggregation Database. Evolutionary conservation and computational predictive tools suggest that this variant may not impact the protein. In summary, data on this variant is insufficient for disease classification. Therefore, the clinical significance of this variant is uncertain.

Clinical Genetics, Academic Medical Center
Classification: Likely benign. Review status: no assertion criteria provided. Collection method: clinical testing. Allele origin: germline. Affected: yes. Study: VKGL Data-share Consensus. Not counted in ClinVar's aggregate classification.

Joint Genome Diagnostic Labs from Nijmegen and Maastricht, Radboudumc and MUMC+
Classification: Likely benign. Review status: no assertion criteria provided. Collection method: clinical testing. Allele origin: germline. Affected: yes. Study: VKGL Data-share Consensus. Not counted in ClinVar's aggregate classification.

NM_005751.5(AKAP9):c.5680A>G (p.Lys1894Glu)

Gene: AKAP9 (A-kinase anchoring protein 9; plus strand). Cytogenetic location: 7q21.2.
Variant type: single nucleotide variant.
Coding change: c.5680A>G on transcript NM_005751.5 (MANE Select); coding-DNA position 5680, A replaced by G.
Protein change: p.Lys1894Glu; replaces lysine 1894 with glutamic acid.
Molecular consequence: missense variant.
Genome position (GRCh38, 1-based): chr7:92,061,338, A>G. VCF-style: chr7-92061338-A-G. GRCh37 (hg19) VCF-style: chr7-91690652-A-G.
Other names: c.325A>G, p.Lys109Glu (NM_001379277.1); c.5680A>G, p.Lys1894Glu (NM_147185.3); short protein forms K109E, K1894E.
Identifiers: ClinVar variation 1284437 (VCV001284437.12), dbSNP rs137971303, ClinGen allele CA4336892.